The following is an entry in ClinVar:

NM_152383.5(DIS3L2):c.1304A>G (p.Tyr435Cys)

Gene: DIS3L2 (DIS3 like 3'-5' exoribonuclease 2; plus strand). Cytogenetic location: 2q37.1.
Variant type: single nucleotide variant.
Coding change: c.1304A>G on transcript NM_152383.5 (MANE Select); coding-DNA position 1304, A replaced by G.
Protein change: p.Tyr435Cys; replaces tyrosine 435 with cysteine.
Molecular consequence: missense variant. On other transcripts: non-coding transcript variant (2).
Genome position (GRCh38, 1-based): chr2:232,238,632, A>G. VCF-style: chr2-232238632-A-G. GRCh37 (hg19) VCF-style: chr2-233103342-A-G.
Other names: c.1304A>G, p.Tyr435Cys (NM_001257281.2); short protein forms Y435C.
Identifiers: ClinVar variation 2200396 (VCV002200396.4), dbSNP rs2470030619, ClinGen allele CA351154768.

ClinVar aggregate classification (germline): Uncertain significance (1 of 4 stars; one submission).

Conditions:
Perlman syndrome (PRLMNS). Identifiers: Orphanet 2849, MedGen C0796113, MONDO:0009965, OMIM 267000.

Submission:

Labcorp Genetics (formerly Invitae), Labcorp
Classification: Uncertain significance for Perlman syndrome. Last evaluated: 2022-02-19. Review status: criteria provided, single submitter. Criteria: Invitae Variant Classification Sherloc (09022015). Collection method: clinical testing. Allele origin: germline.
Comment: In summary, the available evidence is currently insufficient to determine the role of this variant in disease. Therefore, it has been classified as a Variant of Uncertain Significance. Algorithms developed to predict the effect of missense changes on protein structure and function are either unavailable or do not agree on the potential impact of this missense change (SIFT: "Deleterious"; PolyPhen-2: "Probably Damaging"; Align-GVGD: "Class C0"). This variant has not been reported in the literature in individuals affected with DIS3L2-related conditions. This variant is not present in population databases (gnomAD no frequency). This sequence change replaces tyrosine, which is neutral and polar, with cysteine, which is neutral and slightly polar, at codon 435 of the DIS3L2 protein (p.Tyr435Cys).